The following is an entry in ClinVar:

ClinVar aggregate classification (germline): Benign/Likely benign. Review status: criteria provided, multiple submitters, no conflicts (2 of 4 stars). 2 submissions from 2 submitters: Benign (1); Likely benign (1). Last evaluated 2026-02-02.

Allele frequency attached by ClinVar (database versions not stated): ESP Exome Variant Server 0.00038; gnomAD 0.00049; TOPMed 0.00060.
gnomAD v4.1: 782 of 1,614,034 alleles (0.048%); highest among the groups gnomAD compares: Non-Finnish European, 0.01%; 4 homozygotes.

Submissions (2):

Labcorp Genetics (formerly Invitae), Labcorp
Classification: Benign. Last evaluated: 2026-02-02. Review status: criteria provided, single submitter. Criteria: Invitae Variant Classification Sherloc (09022015). Collection method: clinical testing. Allele origin: germline.

CeGaT Center for Human Genetics Tuebingen
Classification: Likely benign. Last evaluated: 2023-12-01. Review status: criteria provided, single submitter. Criteria: CeGaT Center For Human Genetics Tuebingen Variant Classification Criteria Version 2. Collection method: clinical testing. Allele origin: germline. Affected: yes. Observed: 1 variant allele.
Comment: UBE3B: BS2

NM_130466.4(UBE3B):c.2908G>T (p.Ala970Ser)

Gene: UBE3B (ubiquitin protein ligase E3B; plus strand). Cytogenetic location: 12q24.11.
Variant type: single nucleotide variant.
Coding change: c.2908G>T on transcript NM_130466.4 (MANE Select); coding-DNA position 2908, G replaced by T.
Protein change: p.Ala970Ser; replaces alanine 970 with serine.
Molecular consequence: missense variant.
Genome position (GRCh38, 1-based): chr12:109,530,644, G>T. VCF-style: chr12-109530644-G-T. GRCh37 (hg19) VCF-style: chr12-109968449-G-T.
Other names: c.2908G>T, p.Ala970Ser (NM_183415.3); short protein forms A970S.
Identifiers: ClinVar variation 2416627 (VCV002416627.27), dbSNP rs61744923, ClinGen allele CA6778354.